The following is an entry in ClinVar:

ClinVar aggregate classification (germline): Likely benign. Review status: criteria provided, multiple submitters, no conflicts (2 of 4 stars). 2 submissions from 2 submitters: Likely benign (2). Last evaluated 2026-06-01.

Conditions:
Developmental and epileptic encephalopathy, 34 (DEE34). Also called: SLC12A5-Related Epilepsy of Infancy with Migrating Focal Seizures; Early infantile epileptic encephalopathy 34. Identifiers: Orphanet 293181, MedGen C4225257, MONDO:0014718, OMIM 616645.

Allele frequency attached by ClinVar (database versions not stated): gnomAD 0.00002; gnomAD exomes 0.00002; TOPMed 0.00002.
gnomAD v4.1: 43 of 1,613,716 alleles (0.0027%); highest among the groups gnomAD compares: Admixed American, 0.0067%; no homozygotes.

Submissions (2):

CeGaT Center for Human Genetics Tuebingen
Classification: Likely benign. Last evaluated: 2026-06-01. Review status: criteria provided, single submitter. Criteria: CeGaT Center For Human Genetics Tuebingen Variant Classification Criteria Version 2. Collection method: clinical testing. Allele origin: germline. Affected: yes. Observed: 1 variant allele.
Comment: SLC12A5: BP4, BP7

Labcorp Genetics (formerly Invitae), Labcorp
Classification: Likely benign for Developmental and epileptic encephalopathy, 34. Last evaluated: 2025-02-26. Review status: criteria provided, single submitter. Criteria: Invitae Variant Classification Sherloc (09022015). Collection method: clinical testing. Allele origin: germline.

NM_020708.5(SLC12A5):c.2967A>G (p.Pro989=)

Gene: SLC12A5 (solute carrier family 12 member 5; plus strand). Cytogenetic location: 20q13.12.
Variant type: single nucleotide variant.
Coding change: c.2967A>G on transcript NM_020708.5 (MANE Select); coding-DNA position 2967, A replaced by G.
Protein change: p.Pro989=; no amino-acid change (proline 989 retained).
Molecular consequence: synonymous variant.
Genome position (GRCh38, 1-based): chr20:46,056,421, A>G. VCF-style: chr20-46056421-A-G. GRCh37 (hg19) VCF-style: chr20-44685060-A-G.
Other names: c.3036A>G, p.Pro1012= (NM_001134771.2).
Identifiers: ClinVar variation 710155 (VCV000710155.13), dbSNP rs1441127714, ClinGen allele CA510755107.